The following is an entry in ClinVar:

ClinVar aggregate classification (germline): Uncertain significance (1 of 4 stars; one submission).

Conditions:
Hereditary cancer-predisposing syndrome. Also called: Hereditary Cancer Syndrome; Tumor predisposition; Neoplastic Syndromes, Hereditary; Hereditary neoplastic syndrome. Identifiers: Orphanet 140162, MedGen C0027672, MeSH D009386, MONDO:0015356.

Submission:

Labcorp Genetics (formerly Invitae), Labcorp
Classification: Uncertain significance for Hereditary cancer-predisposing syndrome. Last evaluated: 2020-06-30. Review status: criteria provided, single submitter. Criteria: Invitae Variant Classification Sherloc (09022015). Collection method: clinical testing. Allele origin: germline.
Comment: In summary, the available evidence is currently insufficient to determine the role of this variant in disease. Therefore, it has been classified as a Variant of Uncertain Significance. Algorithms developed to predict the effect of missense changes on protein structure and function are either unavailable or do not agree on the potential impact of this missense change (SIFT: "Deleterious"; PolyPhen-2: "Benign"; Align-GVGD: "Class C0"). This variant has not been reported in the literature in individuals with RAD50-related conditions. This variant is not present in population databases (ExAC no frequency). This sequence change replaces aspartic acid with alanine at codon 907 of the RAD50 protein (p.Asp907Ala). The aspartic acid residue is moderately conserved and there is a moderate physicochemical difference between aspartic acid and alanine.

NM_005732.4(RAD50):c.2720A>C (p.Asp907Ala)

Gene: RAD50 (RAD50 double strand break repair protein; plus strand). Cytogenetic location: 5q31.1.
Variant type: single nucleotide variant.
Coding change: c.2720A>C on transcript NM_005732.4 (MANE Select); coding-DNA position 2720, A replaced by C.
Protein change: p.Asp907Ala; replaces aspartic acid 907 with alanine.
Molecular consequence: missense variant.
Genome position (GRCh38, 1-based): chr5:132,608,616, A>C. VCF-style: chr5-132608616-A-C. GRCh37 (hg19) VCF-style: chr5-131944308-A-C.
Other names: short protein forms D907A.
Identifiers: ClinVar variation 1014164 (VCV001014164.9), dbSNP rs1011481775, ClinGen allele CA360958462.